The following is an entry in ClinVar:

NM_173495.3(PTCHD1):c.2284A>T (p.Asn762Tyr)

Gene: PTCHD1 (patched domain containing 1; plus strand). Cytogenetic location: Xp22.11.
Variant type: single nucleotide variant.
Coding change: c.2284A>T on transcript NM_173495.3 (MANE Select); coding-DNA position 2284, A replaced by T.
Protein change: p.Asn762Tyr; replaces asparagine 762 with tyrosine.
Molecular consequence: missense variant.
Genome position (GRCh38, 1-based): chrX:23,393,802, A>T. VCF-style: chrX-23393802-A-T. GRCh37 (hg19) VCF-style: chrX-23411919-A-T.
Other names: short protein forms N762Y.
Identifiers: ClinVar variation 3369134 (VCV003369134.1).

ClinVar aggregate classification (germline): Uncertain significance (1 of 4 stars; one submission).

gnomAD v4.1: 1 of 1,211,192 alleles (0.000083%); highest among the groups gnomAD compares: Admixed American, 0.0022%; no homozygotes.

Submission:

GeneDx
Classification: Uncertain significance. Last evaluated: 2024-02-14. Review status: criteria provided, single submitter. Criteria: GeneDx Variant Classification Process June 2021. Collection method: clinical testing. Allele origin: germline. Affected: yes.
Comment: Not observed at significant frequency in large population cohorts (gnomAD); In silico analysis supports that this missense variant has a deleterious effect on protein structure/function; Has not been previously published as pathogenic or benign to our knowledge